The following is an entry in ClinVar:

ClinVar aggregate classification (germline): Uncertain significance. Review status: criteria provided, multiple submitters, no conflicts (2 of 4 stars). 2 submissions from 2 submitters: Uncertain significance (2). Last evaluated 2024-06-13.

Conditions:
GLUT1 deficiency syndrome 1, autosomal recessive. Identifiers: MedGen C3149117.

Allele frequency attached by ClinVar (database versions not stated): TOPMed below 0.00001; ExAC 0.00001; gnomAD 0.00001; ESP Exome Variant Server 0.00008.
gnomAD v4.1: 1 of 1,614,048 alleles (0.000062%); highest among the groups gnomAD compares: Non-Finnish European, 0.000085%; no homozygotes.

Submissions (2):

GeneDx
Classification: Uncertain significance. Last evaluated: 2024-06-13. Review status: criteria provided, single submitter. Criteria: GeneDx Variant Classification Process June 2021. Collection method: clinical testing. Allele origin: germline. Affected: yes.
Comment: Not observed at significant frequency in large population cohorts (gnomAD); In silico analysis indicates that this missense variant does not alter protein structure/function; Has not been previously published as pathogenic or benign to our knowledge

Labcorp Genetics (formerly Invitae), Labcorp
Classification: Uncertain significance for GLUT1 deficiency syndrome 1, autosomal recessive. Last evaluated: 2023-07-07. Review status: criteria provided, single submitter. Criteria: Invitae Variant Classification Sherloc (09022015). Collection method: clinical testing. Allele origin: germline.
Comment: In summary, the available evidence is currently insufficient to determine the role of this variant in disease. Therefore, it has been classified as a Variant of Uncertain Significance. Advanced modeling of protein sequence and biophysical properties (such as structural, functional, and spatial information, amino acid conservation, physicochemical variation, residue mobility, and thermodynamic stability) performed at Invitae indicates that this missense variant is not expected to disrupt SLC2A1 protein function. This variant has not been reported in the literature in individuals affected with SLC2A1-related conditions. This variant is present in population databases (rs374789687, gnomAD 0.0009%). This sequence change replaces isoleucine, which is neutral and non-polar, with valine, which is neutral and non-polar, at codon 404 of the SLC2A1 protein (p.Ile404Val).

NM_006516.4(SLC2A1):c.1210A>G (p.Ile404Val)

Gene: SLC2A1 (solute carrier family 2 member 1; minus strand). Cytogenetic location: 1p34.2.
Variant type: single nucleotide variant.
Coding change: c.1210A>G on transcript NM_006516.4 (MANE Select); coding-DNA position 1210, A replaced by G.
Protein change: p.Ile404Val; replaces isoleucine 404 with valine.
Molecular consequence: missense variant.
Genome position (GRCh38, 1-based): chr1:42,927,673, T>C on the plus strand (A>G on the coding strand, the complement: SLC2A1 is on the minus strand). VCF-style: chr1-42927673-T-C. GRCh37 (hg19) VCF-style: chr1-43393344-T-C.
Other names: c.1210A>G (NM_006516.2); short protein forms I404V.
Identifiers: ClinVar variation 2737201 (VCV002737201.4), dbSNP rs374789687, ClinGen allele CA803326.